The following is an entry in ClinVar:

NM_000717.5(CA4):c.880G>A (p.Ala294Thr)

Gene: CA4 (carbonic anhydrase 4; plus strand). Cytogenetic location: 17q23.1.
Variant type: single nucleotide variant.
Coding change: c.880G>A on transcript NM_000717.5 (MANE Select); coding-DNA position 880, G replaced by A.
Protein change: p.Ala294Thr; replaces alanine 294 with threonine.
Molecular consequence: missense variant. On other transcripts: non-coding transcript variant (1).
Genome position (GRCh38, 1-based): chr17:60,159,365, G>A. VCF-style: chr17-60159365-G-A. GRCh37 (hg19) VCF-style: chr17-58236726-G-A.
Other names: short protein forms A294T.
Identifiers: ClinVar variation 1044482 (VCV001044482.8), dbSNP rs1326824205, ClinGen allele CA400460755.

ClinVar aggregate classification (germline): Uncertain significance (1 of 4 stars; one submission).

Allele frequency attached by ClinVar (database versions not stated): TOPMed 0.00002.

Submission:

Labcorp Genetics (formerly Invitae), Labcorp
Classification: Uncertain significance. Last evaluated: 2022-04-22. Review status: criteria provided, single submitter. Criteria: Invitae Variant Classification Sherloc (09022015). Collection method: clinical testing. Allele origin: germline.
Comment: This sequence change replaces alanine, which is neutral and non-polar, with threonine, which is neutral and polar, at codon 294 of the CA4 protein (p.Ala294Thr). This variant is not present in population databases (gnomAD no frequency). In summary, the available evidence is currently insufficient to determine the role of this variant in disease. Therefore, it has been classified as a Variant of Uncertain Significance. Algorithms developed to predict the effect of missense changes on protein structure and function are either unavailable or do not agree on the potential impact of this missense change (SIFT: "Not Available"; PolyPhen-2: "Possibly Damaging"; Align-GVGD: "Not Available"). ClinVar contains an entry for this variant (Variation ID: 1044482). This variant has not been reported in the literature in individuals affected with CA4-related conditions.